The following is an entry in ClinVar:

ClinVar aggregate classification (germline): Likely benign (1 of 4 stars; one submission).

Submission:

CeGaT Center for Human Genetics Tuebingen
Classification: Likely benign. Last evaluated: 2023-08-01. Review status: criteria provided, single submitter. Criteria: CeGaT Center For Human Genetics Tuebingen Variant Classification Criteria Version 2. Collection method: clinical testing. Allele origin: germline. Affected: yes. Observed: 1 variant allele.
Comment: GXYLT1: BP4, BP7

NM_173601.2(GXYLT1):c.78C>G (p.Leu26=)

Gene: GXYLT1 (glucoside xylosyltransferase 1; minus strand). Cytogenetic location: 12q12.
Variant type: single nucleotide variant.
Coding change: c.78C>G on transcript NM_173601.2 (MANE Select); coding-DNA position 78, C replaced by G.
Protein change: p.Leu26=; no amino-acid change (leucine 26 retained).
Molecular consequence: synonymous variant.
Genome position (GRCh38, 1-based): chr12:42,144,569, G>C on the plus strand (C>G on the coding strand, the complement: GXYLT1 is on the minus strand). VCF-style: chr12-42144569-G-C. GRCh37 (hg19) VCF-style: chr12-42538371-G-C.
Other names: c.78C>G, p.Leu26= (NM_001099650.2).
Identifiers: ClinVar variation 2642896 (VCV002642896.24), dbSNP rs1423027315, ClinGen allele CA479282569.